The following is an entry in ClinVar:

NM_001605.3(AARS1):c.671+5C>T

Gene: AARS1 (alanyl-tRNA synthetase 1; minus strand). Cytogenetic location: 16q22.1.
Variant type: single nucleotide variant.
Coding change: c.671+5C>T on transcript NM_001605.3 (MANE Select); 5 bases into the intron after coding-DNA position 671, C replaced by T.
Molecular consequence: intron variant.
Genome position (GRCh38, 1-based): chr16:70,271,776, G>A on the plus strand (C>T on the coding strand, the complement: AARS1 is on the minus strand). VCF-style: chr16-70271776-G-A. GRCh37 (hg19) VCF-style: chr16-70305679-G-A.
Identifiers: ClinVar variation 4703082 (VCV004703082.1).

ClinVar aggregate classification (germline): Uncertain significance (1 of 4 stars; one submission).

Conditions:
Charcot-Marie-Tooth disease type 2. Also called: Charcot-Marie-Tooth type 2. Identifiers: Orphanet 64746, MedGen C0270914, MONDO:0018993.

gnomAD v4.1: 2 of 1,613,924 alleles (0.00012%); highest among the groups gnomAD compares: Non-Finnish European, 0.00017%; no homozygotes.

Submission:

Labcorp Genetics (formerly Invitae), Labcorp
Classification: Uncertain significance for Charcot-Marie-Tooth disease type 2. Last evaluated: 2025-02-02. Review status: criteria provided, single submitter. Criteria: Invitae Variant Classification Sherloc (09022015). Collection method: clinical testing. Allele origin: germline.
Comment: This sequence change falls in intron 5 of the AARS gene. It does not directly change the encoded amino acid sequence of the AARS protein. It affects a nucleotide within the consensus splice site. This variant is present in population databases (no rsID available, gnomAD 0.0009%). This variant has not been reported in the literature in individuals affected with AARS-related conditions. Variants that disrupt the consensus splice site are a relatively common cause of aberrant splicing (PMID: 17576681, 9536098). Algorithms developed to predict the effect of sequence changes on RNA splicing suggest that this variant is not likely to affect RNA splicing. In summary, the available evidence is currently insufficient to determine the role of this variant in disease. Therefore, it has been classified as a Variant of Uncertain Significance.

Literature cited by the submitters: PubMed 17576681; PubMed 9536098.